The following is an entry in ClinVar:

ClinVar aggregate classification (germline): Uncertain significance (1 of 4 stars; one submission).

Submission:

CeGaT Center for Human Genetics Tuebingen
Classification: Uncertain significance. Last evaluated: 2025-11-01. Review status: criteria provided, single submitter. Criteria: CeGaT Center For Human Genetics Tuebingen Variant Classification Criteria Version 2. Collection method: clinical testing. Allele origin: germline. Affected: yes. Observed: 1 variant allele.
Comment: POLR1B: PM2, PP2

NM_019014.6(POLR1B):c.3079G>C (p.Gly1027Arg)

Gene: POLR1B (RNA polymerase I subunit B; plus strand). Cytogenetic location: 2q14.1.
Variant type: single nucleotide variant.
Coding change: c.3079G>C on transcript NM_019014.6 (MANE Select); coding-DNA position 3079, G replaced by C.
Protein change: p.Gly1027Arg; replaces glycine 1027 with arginine.
Molecular consequence: missense variant.
Genome position (GRCh38, 1-based): chr2:112,575,400, G>C. VCF-style: chr2-112575400-G-C. GRCh37 (hg19) VCF-style: chr2-113332977-G-C.
Other names: c.2911G>C, p.Gly971Arg (NM_001137604.3); c.3193G>C, p.Gly1065Arg (NM_001282772.2); c.2530G>C, p.Gly844Arg (NM_001282774.2); c.2446G>C, p.Gly816Arg (NM_001282776.2, NM_001371971.1); c.2662G>C, p.Gly888Arg (NM_001282777.2, NM_001282779.2, NM_001371970.1); c.3217G>C, p.Gly1073Arg (NM_001371969.1); short protein forms G1027R, G1065R, G1073R, G816R, G844R, G888R, G971R.
Identifiers: ClinVar variation 4535252 (VCV004535252.6).